The following is an entry in ClinVar:

ClinVar aggregate classification (germline): Uncertain significance (1 of 4 stars; one submission).

Conditions:
Familial cancer of breast. Also called: Hereditary breast cancer; hereditary breast carcinoma; BREAST CANCER, FAMILIAL. Identifiers: Orphanet 227535, MedGen C0346153, MONDO:0016419, OMIM 114480. Disease mechanism: loss of function.
Fanconi anemia complementation group J. Also called: BRIP1-Related Fanconi Anemia. Identifiers: Orphanet 84, MedGen C1836860, MONDO:0012187, OMIM 609054.

Submission:

Labcorp Genetics (formerly Invitae), Labcorp
Classification: Uncertain significance for Familial cancer of breast; Fanconi anemia complementation group J. Last evaluated: 2021-10-03. Review status: criteria provided, single submitter. Criteria: Invitae Variant Classification Sherloc (09022015). Collection method: clinical testing. Allele origin: germline.
Comment: This sequence change replaces lysine with glutamic acid at codon 998 of the BRIP1 protein (p.Lys998Glu). The lysine residue is weakly conserved and there is a small physicochemical difference between lysine and glutamic acid. This variant is not present in population databases (ExAC no frequency). This variant has not been reported in the literature in individuals affected with BRIP1-related conditions. Algorithms developed to predict the effect of missense changes on protein structure and function output the following: SIFT: "Tolerated"; PolyPhen-2: "Benign"; Align-GVGD: "Class C0". The glutamic acid amino acid residue is found in multiple mammalian species, which suggests that this missense change does not adversely affect protein function. Algorithms developed to predict the effect of sequence changes on RNA splicing suggest that this variant may create or strengthen a splice site. In summary, the available evidence is currently insufficient to determine the role of this variant in disease. Therefore, it has been classified as a Variant of Uncertain Significance.

NM_032043.3(BRIP1):c.2992A>G (p.Lys998Glu)

Gene: BRIP1 (BRCA1 interacting DNA helicase 1; minus strand). Cytogenetic location: 17q23.2.
Variant type: single nucleotide variant.
Coding change: c.2992A>G on transcript NM_032043.3 (MANE Select); coding-DNA position 2992, A replaced by G.
Protein change: p.Lys998Glu; replaces lysine 998 with glutamic acid.
Molecular consequence: missense variant.
Genome position (GRCh38, 1-based): chr17:61,684,054, T>C on the plus strand (A>G on the coding strand, the complement: BRIP1 is on the minus strand). VCF-style: chr17-61684054-T-C. GRCh37 (hg19) VCF-style: chr17-59761415-T-C.
Other names: short protein forms K998E.
Identifiers: ClinVar variation 1399136 (VCV001399136.4), dbSNP rs1603275633, ClinGen allele CA400480053.
Genomic context (GRCh38, chr17:61,684,054, plus strand): 5'-TCGGTATTTTACCAGTAAAATACTGTCCCAAAGAATTAAAGCTTGACCAGCTAACTCTCT[T>C]TGTTTGTTTGTTGAAAGTTGGGCTTGTGGATCTGGAAATCACAATTTTTTCTGCTTTCCC-3'
Protein context (NP_114432.2, residues 988-1008): STSPTFNKQT[Lys998Glu]RVSWSSFNSL